The following is an entry in ClinVar:

NM_000824.5(GLRB):c.948T>C (p.Leu316=)

Gene: GLRB (glycine receptor beta; plus strand). Cytogenetic location: 4q32.1.
Variant type: single nucleotide variant.
Coding change: c.948T>C on transcript NM_000824.5 (MANE Select); coding-DNA position 948, T replaced by C.
Protein change: p.Leu316=; no amino-acid change (leucine 316 retained).
Molecular consequence: synonymous variant. On other transcripts: intron variant (1).
Genome position (GRCh38, 1-based): chr4:157,152,761, T>C. VCF-style: chr4-157152761-T-C. GRCh37 (hg19) VCF-style: chr4-158073913-T-C.
Other names: c.948T>C, p.Leu316= (NM_001166060.2); c.904+8802T>C (NM_001166061.2).
Identifiers: ClinVar variation 347924 (VCV000347924.17), dbSNP rs1801154, ClinGen allele CA3119920.

ClinVar aggregate classification (germline): Benign/Likely benign. Review status: criteria provided, multiple submitters, no conflicts (2 of 4 stars). 5 submissions from 5 submitters: Benign (4); Likely benign (1). Last evaluated 2026-02-03.

Conditions:
Hyperekplexia 2 (HKPX2). Identifiers: Orphanet 3197, MedGen C3553291, MONDO:0013828, OMIM 614619.

Allele frequency attached by ClinVar (database versions not stated): gnomAD exomes 0.04264 and 0.04563; TOPMed 0.04665; ExAC 0.04729; gnomAD 0.04794 and 0.04872; ESP Exome Variant Server 0.04890; 1000 Genomes Project 30x 0.05981; 1000 Genomes Project 0.06210.
gnomAD v4.1: 70,148 of 1,613,524 alleles (4.3%); highest among the groups gnomAD compares: South Asian, 7.6%; 1,814 homozygotes.

Submissions (5):

Labcorp Genetics (formerly Invitae), Labcorp
Classification: Benign for Hyperekplexia 2. Last evaluated: 2026-02-03. Review status: criteria provided, single submitter. Criteria: Invitae Variant Classification Sherloc (09022015). Collection method: clinical testing. Allele origin: germline.

Blueprint Genetics
Classification: Likely benign. Last evaluated: 2024-11-26. Review status: criteria provided, single submitter. Criteria: ACMG Guidelines, 2015. Collection method: clinical testing. Allele origin: germline.

GeneDx
Classification: Benign. Last evaluated: 2021-05-04. Review status: criteria provided, single submitter. Criteria: GeneDx Variant Classification Process June 2021. Collection method: clinical testing. Allele origin: germline. Affected: yes.

Illumina Laboratory Services, Illumina
Classification: Benign for Hyperekplexia 2. Last evaluated: 2018-01-13. Review status: criteria provided, single submitter. Criteria: ICSL Variant Classification Criteria 13 December 2019. Collection method: clinical testing. Allele origin: germline.
Comment: This variant was observed in the ICSL laboratory as part of a predisposition screen in an ostensibly healthy population. It had not been previously curated by ICSL or reported in the Human Gene Mutation Database (HGMD: prior to June 1st, 2018), and was therefore a candidate for classification through an automated scoring system. Utilizing variant allele frequency, disease prevalence and penetrance estimates, and inheritance mode, an automated score was calculated to assess if this variant is too frequent to cause the disease. Based on the score and internal cut-off values, a variant classified as benign is not then subjected to further curation. The score for this variant resulted in a classification of benign for this disease.

Breakthrough Genomics
Classification: Benign. Review status: criteria provided, single submitter. Criteria: ACMG Guidelines, 2015. Collection method: not provided. Allele origin: germline. Inheritance: Autosomal recessive inheritance. Affected: yes.